The following is an entry in ClinVar:

NM_000096.4(CP):c.2554+14C>G

Gene: CP (ceruloplasmin; minus strand). Cytogenetic location: 3q24.
Variant type: single nucleotide variant.
Coding change: c.2554+14C>G on transcript NM_000096.4 (MANE Select); 14 bases into the intron after coding-DNA position 2554, C replaced by G.
Molecular consequence: intron variant.
Genome position (GRCh38, 1-based): chr3:149,181,991, G>C on the plus strand (C>G on the coding strand, the complement: CP is on the minus strand). VCF-style: chr3-149181991-G-C. GRCh37 (hg19) VCF-style: chr3-148899778-G-C.
Identifiers: ClinVar variation 343756 (VCV000343756.6), dbSNP rs200965170, ClinGen allele CA2660721.
Genomic context (GRCh38, chr3:149,181,991, plus strand): 5'-TGATGAGAGTAATCTGTGGAAAGGCTGTACAGCCTGTTAAAATGCACCACCCCCACCCCC[G>C]CCCCCGTGAGTACCTGGTAATGTTGGAGTAACTGTAGAACTCTCTGTTTGTACCCCATGG-3'

ClinVar aggregate classification (germline): Benign. Review status: criteria provided, multiple submitters, no conflicts (2 of 4 stars). 2 submissions from 2 submitters: Benign (2). Last evaluated 2018-01-13.

Conditions:
Deficiency of ferroxidase (ACEP). Also called: Deficiency of ceruloplasmin; Ceruloplasmin deficiency; Familial apoceruloplasmin deficiency; Hereditary ceruloplasmin deficiency; NEURODEGENERATION WITH BRAIN IRON ACCUMULATION 10; Aceruloplasminemia. Identifiers: Orphanet 48818, MedGen C0878682, MONDO:0011426, OMIM 604290, HP:0025498.

Submissions (2):

Illumina Laboratory Services, Illumina
Classification: Benign for Deficiency of ferroxidase. Last evaluated: 2018-01-13. Review status: criteria provided, single submitter. Criteria: ICSL Variant Classification Criteria 13 December 2019. Collection method: clinical testing. Allele origin: germline.
Comment: This variant was observed in the ICSL laboratory as part of a predisposition screen in an ostensibly healthy population. It had not been previously curated by ICSL or reported in the Human Gene Mutation Database (HGMD: prior to June 1st, 2018), and was therefore a candidate for classification through an automated scoring system. Utilizing variant allele frequency, disease prevalence and penetrance estimates, and inheritance mode, an automated score was calculated to assess if this variant is too frequent to cause the disease. Based on the score and internal cut-off values, a variant classified as benign is not then subjected to further curation. The score for this variant resulted in a classification of benign for this disease.

Breakthrough Genomics
Classification: Benign. Review status: criteria provided, single submitter. Criteria: ACMG Guidelines, 2015. Collection method: not provided. Allele origin: germline. Inheritance: Autosomal recessive inheritance. Affected: yes.